The following is an entry in ClinVar:

ClinVar aggregate classification (germline): Pathogenic (1 of 4 stars; one submission).

Conditions:
Glycogen storage disease type X (GSD10). Also called: GSD X; MYOPATHY DUE TO PHOSPHOGLYCERATE MUTASE DEFICIENCY; PGAMM DEFICIENCY; PHOSPHOGLYCERATE MUTASE, MUSCLE, DEFICIENCY OF; Dimauro disease; Glycogen storage disease due to phosphoglycerate mutase deficiency. Identifiers: Orphanet 97234, MedGen C0268149, MONDO:0009865, OMIM 261670.

Submission:

Labcorp Genetics (formerly Invitae), Labcorp
Classification: Pathogenic for Glycogen storage disease type X. Last evaluated: 2022-05-31. Review status: criteria provided, single submitter. Criteria: Invitae Variant Classification Sherloc (09022015). Collection method: clinical testing. Allele origin: germline.
Comment: A gross deletion of the genomic region encompassing the full coding sequence of the PGAM2 gene has been identified. Loss-of-function variants in PGAM2 are known to be pathogenic (PMID: 8447317, 19273759). The boundaries of this event are unknown as they extend beyond the assayed region for this gene and therefore may encompass additional genes. This variant has not been reported in the literature in individuals affected with PGAM2-related conditions. For these reasons, this variant has been classified as Pathogenic.

Literature cited by the submitters: PubMed 8447317; PubMed 19273759.

NC_000007.13:g.(?_44102363)_(44105128_?)del

Gene: PGAM2 (phosphoglycerate mutase 2; minus strand). Cytogenetic location: 7p13.
Variant type: Deletion.
Identifiers: ClinVar variation 2422820 (VCV002422820.3).